The following is an entry in ClinVar:

ClinVar aggregate classification (germline): Uncertain significance (1 of 4 stars; one submission).

Conditions:
CREBBP-related disorder. Also called: CREBBP-related condition; CREBBP-related disorders.

gnomAD v4.1: 3 of 1,614,146 alleles (0.00019%); highest among the groups gnomAD compares: African/African-American, 0.0027%; no homozygotes.

Submission:

PreventionGenetics, part of Exact Sciences
Classification: Uncertain significance for CREBBP-related condition. Last evaluated: 2025-07-30. Review status: criteria provided, single submitter. Criteria: ACMG Guidelines, 2015. Collection method: clinical testing. Allele origin: germline.
Comment: The CREBBP c.3208A>G variant is predicted to result in the amino acid substitution p.Thr1070Ala. To our knowledge, this variant has not been reported in the literature or in a large population database (gnomAD), indicating this variant is rare. At this time, the clinical significance of this variant is uncertain due to the absence of conclusive functional and genetic evidence.

NM_004380.3(CREBBP):c.3208A>G (p.Thr1070Ala)

Gene: CREBBP (CREB binding lysine acetyltransferase; minus strand). Cytogenetic location: 16p13.3.
Variant type: single nucleotide variant.
Coding change: c.3208A>G on transcript NM_004380.3 (MANE Select); coding-DNA position 3208, A replaced by G.
Protein change: p.Thr1070Ala; replaces threonine 1070 with alanine.
Molecular consequence: missense variant.
Genome position (GRCh38, 1-based): chr16:3,767,762, T>C on the plus strand (A>G on the coding strand, the complement: CREBBP is on the minus strand). VCF-style: chr16-3767762-T-C. GRCh37 (hg19) VCF-style: chr16-3817763-T-C.
Other names: c.3094A>G, p.Thr1032Ala (NM_001079846.1); short protein forms T1032A, T1070A.
Identifiers: ClinVar variation 4982676 (VCV004982676.1).